The following is an entry in ClinVar:

NM_152564.5(VPS13B):c.22_23delinsA (p.Pro8fs)

Gene: VPS13B (vacuolar protein sorting 13 homolog B; plus strand). Cytogenetic location: 8q22.2.
Variant type: Indel.
Coding change: c.22_23delinsA on transcript NM_152564.5 (MANE Select); coding-DNA positions 22 to 23, CC replaced by A.
Protein change: p.Pro8fs; shifts the reading frame from proline 8.
Molecular consequence: frameshift variant. On other transcripts: non-coding transcript variant (1).
Genome position (GRCh38, 1-based): chr8:99,013,810-99,013,811, CC replaced by A. VCF-style: chr8-99013810-CC-A. GRCh37 (hg19) VCF-style: chr8-100026038-CC-A.
Other names: c.22_23delinsA, p.Pro8fs (NM_015243.3, NM_017890.5, NM_181661.3); c.22_23delCCinsA (NM_017890.4); short protein forms P8fs.
Identifiers: ClinVar variation 56652 (VCV000056652.2), dbSNP rs386834076, ClinGen allele CA264050.

ClinVar aggregate classification (germline): Likely pathogenic (0 of 4 stars; one submission).

Conditions:
Cohen syndrome (COH1). Also called: PEPPER SYNDROME; Cutis verticis gyrata, retinitis pigmentosa, and sensorineural deafness. Identifiers: Orphanet 193, MedGen C0265223, MONDO:0008999, OMIM 216550.

Submission:

Juha Muilu Group; Institute for Molecular Medicine Finland (FIMM)
Classification: Likely pathogenic for Cohen syndrome. Review status: no assertion criteria provided. Collection method: not provided. Allele origin: unknown.
Comment: FinDis database variant: This variant was not found or characterized by our laboratory, data were collected from public sources: see reference
ClinVar note: Converted during submission from probable-pathogenic to Likely pathogenic.